The following is an entry in ClinVar:

ClinVar aggregate classification (germline): Uncertain significance (1 of 4 stars; one submission).

Allele frequency attached by ClinVar (database versions not stated): TOPMed below 0.00001.

Submission:

Labcorp Genetics (formerly Invitae), Labcorp
Classification: Uncertain significance. Last evaluated: 2022-03-03. Review status: criteria provided, single submitter. Criteria: Invitae Variant Classification Sherloc (09022015). Collection method: clinical testing. Allele origin: germline.
Comment: In summary, the available evidence is currently insufficient to determine the role of this variant in disease. Therefore, it has been classified as a Variant of Uncertain Significance. Algorithms developed to predict the effect of missense changes on protein structure and function are either unavailable or do not agree on the potential impact of this missense change (SIFT: "Deleterious"; PolyPhen-2: "Probably Damaging"; Align-GVGD: "Class C0"). This variant has not been reported in the literature in individuals affected with POLR3A-related conditions. This variant is not present in population databases (gnomAD no frequency). This sequence change replaces arginine, which is basic and polar, with serine, which is neutral and polar, at codon 487 of the POLR3A protein (p.Arg487Ser).

NM_007055.4(POLR3A):c.1461A>T (p.Arg487Ser)

Gene: POLR3A (RNA polymerase III subunit A; minus strand). Cytogenetic location: 10q22.3.
Variant type: single nucleotide variant.
Coding change: c.1461A>T on transcript NM_007055.4 (MANE Select); coding-DNA position 1461, A replaced by T.
Protein change: p.Arg487Ser; replaces arginine 487 with serine.
Molecular consequence: missense variant.
Genome position (GRCh38, 1-based): chr10:78,013,761, T>A on the plus strand (A>T on the coding strand, the complement: POLR3A is on the minus strand). VCF-style: chr10-78013761-T-A. GRCh37 (hg19) VCF-style: chr10-79773519-T-A.
Other names: short protein forms R487S.
Identifiers: ClinVar variation 1402765 (VCV001402765.8), dbSNP rs1847489663, ClinGen allele CA377342178.